The following is an entry in ClinVar:

ClinVar aggregate classification (germline): Uncertain significance (1 of 4 stars; one submission).

Submission:

Women's Health and Genetics/Laboratory Corporation of America, LabCorp
Classification: Uncertain significance. Last evaluated: 2022-06-23. Review status: criteria provided, single submitter. Criteria: LabCorp Variant Classification Summary - May 2015. Collection method: clinical testing. Allele origin: germline.
Comment: Variant summary: SOD1 c.357+2T>G is located in a canonical splice-site and is predicted to affect mRNA splicing resulting in a significantly altered protein due to either exon skipping, shortening, or inclusion of intronic material. Several computational tools predict a significant impact on normal splicing: Four predict the variant abolishes a 5 prime splicing donor site. Four predict the variant creates a cryptic 5 prime donor site. However, these predictions have yet to be confirmed by functional studies. The variant was absent in 251472 control chromosomes (gnomAD). The available data on variant occurrences in the general population are insufficient to allow any conclusion about variant significance. To our knowledge, no occurrence of c.357+2T>G in individuals affected with Amyotrophic Lateral Sclerosis Type 1 and no experimental evidence demonstrating its impact on protein function have been reported. No clinical diagnostic laboratories have submitted clinical-significance assessments for this variant to ClinVar after 2014. Based on the evidence outlined above, the variant was classified as uncertain significance.

NM_000454.5(SOD1):c.357+2T>G

Gene: SOD1 (superoxide dismutase 1; plus strand). Cytogenetic location: 21q22.11.
Variant type: single nucleotide variant.
Coding change: c.357+2T>G on transcript NM_000454.5 (MANE Select); the canonical splice donor site of the intron after coding-DNA position 357, T replaced by G.
Molecular consequence: splice donor variant.
Genome position (GRCh38, 1-based): chr21:31,667,377, T>G. VCF-style: chr21-31667377-T-G. GRCh37 (hg19) VCF-style: chr21-33039690-T-G.
Identifiers: ClinVar variation 1698619 (VCV001698619.1), dbSNP rs2123435671, ClinGen allele CA410037613.